The following is an entry in ClinVar:

ClinVar aggregate classification (germline): Likely benign. Review status: criteria provided, single submitter (1 of 4 stars). 2 submissions from 2 submitters: Likely benign (1). 1 of the submissions does not count toward it. Last evaluated 2026-01-25.

Conditions:
FRAS1-related disorder. Also called: FRAS1-related condition.

Allele frequency attached by ClinVar (database versions not stated): gnomAD exomes 0.00006; ExAC 0.00007; ESP Exome Variant Server 0.00008; gnomAD 0.00010; TOPMed 0.00011; 1000 Genomes Project 0.00020; 1000 Genomes Project 30x 0.00031.
gnomAD v4.1: 100 of 1,593,872 alleles (0.0063%); highest among the groups gnomAD compares: Admixed American, 0.024%; no homozygotes.

Submissions (2):

Labcorp Genetics (formerly Invitae), Labcorp
Classification: Likely benign. Last evaluated: 2026-01-25. Review status: criteria provided, single submitter. Criteria: Invitae Variant Classification Sherloc (09022015). Collection method: clinical testing. Allele origin: germline.

PreventionGenetics, part of Exact Sciences
Classification: Likely benign for FRAS1-related condition. Last evaluated: 2019-08-01. Review status: no assertion criteria provided. Collection method: clinical testing. Allele origin: germline. Not counted in ClinVar's aggregate classification.
Comment: This variant is classified as likely benign based on ACMG/AMP sequence variant interpretation guidelines (Richards et al. 2015 PMID: 25741868, with internal and published modifications).

NM_025074.7(FRAS1):c.4305C>T (p.Phe1435=)

Gene: FRAS1 (Fraser extracellular matrix complex subunit 1; plus strand). Cytogenetic location: 4q21.21.
Variant type: single nucleotide variant.
Coding change: c.4305C>T on transcript NM_025074.7 (MANE Select); coding-DNA position 4305, C replaced by T.
Protein change: p.Phe1435=; no amino-acid change (phenylalanine 1435 retained).
Molecular consequence: synonymous variant.
Genome position (GRCh38, 1-based): chr4:78,407,838, C>T. VCF-style: chr4-78407838-C-T. GRCh37 (hg19) VCF-style: chr4-79328992-C-T.
Other names: c.4305C>T (NM_025074.6); c.4305C>T, p.Phe1435= (NM_001166133.2).
Identifiers: ClinVar variation 2175552 (VCV002175552.6), dbSNP rs368963172, ClinGen allele CA2977149.